The following is an entry in ClinVar:

NM_003072.5(SMARCA4):c.1762-4C>T

Gene: SMARCA4 (SWI/SNF related BAF chromatin remodeling complex subunit ATPase 4; plus strand). Cytogenetic location: 19p13.2.
Variant type: single nucleotide variant.
Coding change: c.1762-4C>T on transcript NM_003072.5 (MANE Select); 4 bases into the intron before coding-DNA position 1762, C replaced by T.
Molecular consequence: intron variant.
Genome position (GRCh38, 1-based): chr19:10,996,490, C>T. VCF-style: chr19-10996490-C-T. GRCh37 (hg19) VCF-style: chr19-11107166-C-T.
Other names: c.1762-4C>T (NM_001128844.3, NM_001128849.3, NM_001128847.4 and 4 more transcripts).
Identifiers: ClinVar variation 795459 (VCV000795459.13), dbSNP rs1600084648, ClinGen allele CA915951661.

ClinVar aggregate classification (germline): Likely benign. Review status: criteria provided, multiple submitters, no conflicts (2 of 4 stars). 3 submissions from 3 submitters: Likely benign (3). Last evaluated 2026-07-07.

Conditions:
Hereditary cancer-predisposing syndrome. Also called: Hereditary neoplastic syndrome; Neoplastic Syndromes, Hereditary; Tumor predisposition; Hereditary Cancer Syndrome. Identifiers: Orphanet 140162, MedGen C0027672, MeSH D009386, MONDO:0015356.
Rhabdoid tumor predisposition syndrome 2 (RTPS2). Identifiers: Orphanet 231108, Orphanet 69077, MedGen C2750074, MONDO:0013224, OMIM 613325.

gnomAD v4.1: 1 of 1,614,218 alleles (0.000062%); highest among the groups gnomAD compares: Admixed American, 0.0017%; no homozygotes.

Submissions (3):

Myriad Genetics, Inc.
Classification: Likely benign for Rhabdoid tumor predisposition syndrome 2. Last evaluated: 2026-07-07. Review status: criteria provided, single submitter. Criteria: Myriad Autosomal Dominant, Autosomal Recessive and X-Linked Classification Criteria (2023). Collection method: clinical testing. Allele origin: unknown.
Comment: This variant is considered likely benign. This variant is intronic and is not expected to impact mRNA splicing.

Labcorp Genetics (formerly Invitae), Labcorp
Classification: Likely benign for Rhabdoid tumor predisposition syndrome 2. Last evaluated: 2025-10-26. Review status: criteria provided, single submitter. Criteria: Invitae Variant Classification Sherloc (09022015). Collection method: clinical testing. Allele origin: germline.

Ambry Genetics
Classification: Likely benign for Hereditary cancer-predisposing syndrome. Last evaluated: 2023-07-21. Review status: criteria provided, single submitter. Criteria: Ambry Variant Classification Scheme 2023. Collection method: clinical testing. Allele origin: germline.